The following is an entry in ClinVar:

NM_015570.4(AUTS2):c.2309-9_2309-2del

Gene: AUTS2 (activator of transcription and developmental regulator AUTS2; plus strand). Cytogenetic location: 7q11.22.
Variant type: Deletion.
Coding change: c.2309-9_2309-2del on transcript NM_015570.4 (MANE Select); 9 bases into the intron before coding-DNA position 2309 through the canonical splice acceptor site of the intron before coding-DNA position 2309, 8 bases deleted (CCATTTCA; older notation c.2309-9_2309-2delCCATTTCA).
Molecular consequence: splice acceptor variant.
Genome position (GRCh38, 1-based): chr7:70,787,200-70,787,207, CCATTTCA deleted; deleting any 8 consecutive bases within chr7:70,787,196-70,787,207 gives the same sequence; the c. name uses the placement nearest the transcript's 3' end. VCF-style (leftmost placement, unchanged base first): chr7-70787195-CTTCACCAT-C. GRCh37 (hg19) VCF-style: chr7-70252181-CTTCACCAT-C.
Other names: c.2237-9_2237-2del (NM_001127231.3); c.2309-9_2309-2delCCATTTCA (NM_015570.4).
Identifiers: ClinVar variation 2075982 (VCV002075982.5), dbSNP rs1246973182, ClinGen allele CA575279049.

ClinVar aggregate classification (germline): Uncertain significance. Review status: criteria provided, multiple submitters, no conflicts (2 of 4 stars). 2 submissions from 2 submitters: Uncertain significance (2). Last evaluated 2026-06-15.

Submissions (2):

Women's Health and Genetics/Laboratory Corporation of America, LabCorp
Classification: Uncertain significance. Last evaluated: 2026-06-15. Review status: criteria provided, single submitter. Criteria: LabCorp Variant Classification Summary - May 2015. Collection method: clinical testing. Allele origin: germline.
Comment: Variant summary: AUTS2 c.2309-9_2309-2delCCATTTCA alters nucleotides located close to a canonical splice site. Consensus agreement among computation tools predict no significant impact on normal splicing. However, these predictions have yet to be confirmed by functional studies. The variant allele was found at a frequency of 4e-06 in 250994 control chromosomes. The available data on variant occurrences in the general population are insufficient to allow any conclusion about variant significance. To our knowledge, no occurrence of c.2309-9_2309-2delCCATTTCA in individuals affected with AUTS2related conditions and no experimental evidence demonstrating its impact on protein function have been reported. ClinVar contains an entry for this variant (Variation ID: 2075982). Based on the evidence outlined above, the variant was classified as uncertain significance.

Labcorp Genetics (formerly Invitae), Labcorp
Classification: Uncertain significance. Last evaluated: 2024-06-21. Review status: criteria provided, single submitter. Criteria: Invitae Variant Classification Sherloc (09022015). Collection method: clinical testing. Allele origin: germline.
Comment: This sequence change falls in intron 17 of the AUTS2 gene. It does not directly change the encoded amino acid sequence of the AUTS2 protein. This variant is present in population databases (no rsID available, gnomAD no frequency). This variant has not been reported in the literature in individuals affected with AUTS2-related conditions. ClinVar contains an entry for this variant (Variation ID: 2075982). Experimental studies and prediction algorithms are not available or were not evaluated, and the effect of this variant on mRNA splicing is currently unknown. In summary, the available evidence is currently insufficient to determine the role of this variant in disease. Therefore, it has been classified as a Variant of Uncertain Significance.